The following is an entry in ClinVar:

NM_001042492.3(NF1):c.1054_1055insT (p.Asp352fs)

Gene: NF1 (neurofibromin 1; plus strand). Cytogenetic location: 17q11.2.
Variant type: Insertion.
Coding change: c.1054_1055insT on transcript NM_001042492.3 (MANE Select); coding-DNA positions 1054 to 1055, T inserted.
Protein change: p.Asp352fs; shifts the reading frame from aspartic acid 352.
Molecular consequence: frameshift variant.
Genome position: GRCh38 VCF-style: chr17-31200587-G-GT. GRCh37 (hg19) VCF-style: chr17-29527605-G-GT.
Other names: c.1054_1055insT, p.Asp352fs (NM_000267.4, NM_001128147.3); short protein forms D352fs.
Identifiers: ClinVar variation 4717915 (VCV004717915.1).

ClinVar aggregate classification (germline): Pathogenic (1 of 4 stars; one submission).

Conditions:
Neurofibromatosis, type 1 (NF1). Also called: NEUROFIBROMATOSIS, TYPE I, SOMATIC; VON RECKLINGHAUSEN DISEASE; Peripheral type neurofibromatosis; Neurofibromatosis, type I. Identifiers: Orphanet 636, MedGen C0027831, MONDO:0018975, OMIM 162200. Disease mechanism: loss of function.

Submission:

Labcorp Genetics (formerly Invitae), Labcorp
Classification: Pathogenic for Neurofibromatosis, type 1. Last evaluated: 2026-01-22. Review status: criteria provided, single submitter. Criteria: Invitae Variant Classification Sherloc (09022015). Collection method: clinical testing. Allele origin: germline.
Comment: This sequence change creates a premature translational stop signal (p.Asp352Valfs*3) in the NF1 gene. It is expected to result in an absent or disrupted protein product. Loss-of-function variants in NF1 are known to be pathogenic (PMID: 10712197, 23913538). This variant is not present in population databases (gnomAD no frequency). This variant has not been reported in the literature in individuals affected with NF1-related conditions. Algorithms developed to predict the effect of sequence changes on RNA splicing suggest that this variant may disrupt the consensus splice site. For these reasons, this variant has been classified as Pathogenic.

Literature cited by the submitters: PubMed 10712197; PubMed 23913538.